The following is an entry in ClinVar:

ClinVar aggregate classification (germline): Uncertain significance (1 of 4 stars; one submission).

Conditions:
CEP290-related disorder. Also called: CEP290-related disorders; CEP290-related condition. Identifiers: MedGen CN239314.

Submission:

PreventionGenetics, part of Exact Sciences
Classification: Uncertain significance for CEP290-related condition. Last evaluated: 2026-06-02. Review status: criteria provided, single submitter. Criteria: ACMG Guidelines, 2015. Collection method: clinical testing. Allele origin: germline.
Comment: The CEP290 c.7418delC variant is predicted to result in a frameshift and premature protein termination (p.Pro2473Leufs*12). To our knowledge, this variant has not been reported in the literature. This variant is reported in 0.0042% of alleles in individuals of African descent in gnomAD. This variant is located in the terminal exon of CEP290, downstream of other early termination changes that have been documented as causative. Although we suspect that this variant may be pathogenic, at this time, the clinical significance of this variant is uncertain due to the absence of conclusive functional and genetic evidence.

NM_025114.4(CEP290):c.7418del (p.Pro2473fs)

Genes: CEP290 (centrosomal protein 290; minus strand), RLIG1 (RNA 5'-phosphate and 3'-OH ligase 1; plus strand). Cytogenetic location: 12q21.32.
Variant type: Deletion.
Coding change: c.7418del on transcript NM_025114.4 (MANE Select); coding-DNA position 7418, one base deleted (C; older notation c.7418delC).
Protein change: p.Pro2473fs; shifts the reading frame from proline 2473.
Molecular consequence: frameshift variant. On other transcripts: 3 prime UTR variant (1).
Genome position (GRCh38, 1-based): chr12:88,049,206, G deleted on the plus strand (C on the coding strand, the reverse complement: CEP290 is on the minus strand); the first of 2 consecutive G bases (chr12:88,049,206-88,049,207); deleting either gives the same sequence. VCF-style (leftmost placement, unchanged base first): chr12-88049205-AG-A. GRCh37 (hg19) VCF-style: chr12-88442982-AG-A.
Other names: c.*785del (NM_001009894.3); short protein forms P2473fs.
Identifiers: ClinVar variation 4986457 (VCV004986457.1).